The following is an entry in ClinVar:

ClinVar aggregate classification (germline): Benign/Likely benign. Review status: criteria provided, multiple submitters, no conflicts (2 of 4 stars). 8 submissions from 8 submitters: Benign (4); Likely benign (3). 1 of the submissions does not count toward it. Last evaluated 2026-02-04.

Conditions:
ABCC2-related disorder. Also called: ABCC2-related condition.
Dubin-Johnson syndrome (DJS). Also called: Jaundice, Chronic Idiopathic; Hyperbilirubinemia type 2; HYPERBILIRUBINEMIA, DUBIN-JOHNSON TYPE. Identifiers: Orphanet 234, MedGen C0022350, MONDO:0009380, OMIM 237500.

Allele frequency attached by ClinVar (database versions not stated): ESP Exome Variant Server 0.00231; TOPMed 0.00238; 1000 Genomes Project 0.00300; 1000 Genomes Project 30x 0.00312; gnomAD 0.00355 and 0.00363; gnomAD exomes 0.00398 and 0.00406; ExAC 0.00404.
gnomAD v4.1: 6,465 of 1,613,986 alleles (0.4%); highest among the groups gnomAD compares: South Asian, 0.43%; 22 homozygotes.

Submissions (8):

Labcorp Genetics (formerly Invitae), Labcorp
Classification: Benign. Last evaluated: 2026-02-04. Review status: criteria provided, single submitter. Criteria: Invitae Variant Classification Sherloc (09022015). Collection method: clinical testing. Allele origin: germline.

CeGaT Center for Human Genetics Tuebingen
Classification: Likely benign. Last evaluated: 2025-08-01. Review status: criteria provided, single submitter. Criteria: CeGaT Center For Human Genetics Tuebingen Variant Classification Criteria Version 2. Collection method: clinical testing. Allele origin: germline. Affected: yes. Observed: 2 variant alleles.
Comment: ABCC2: BS2

Blueprint Genetics
Classification: Likely benign. Last evaluated: 2024-11-27. Review status: criteria provided, single submitter. Criteria: ACMG Guidelines, 2015. Collection method: clinical testing. Allele origin: germline.

Mayo Clinic Laboratories, Mayo Clinic
Classification: Likely benign. Last evaluated: 2024-10-24. Review status: criteria provided, single submitter. Criteria: ACMG Guidelines, 2015. Collection method: clinical testing. Allele origin: germline. Observed: 3 variant alleles.
Comment: BA1_strong, BS2, PP3

Illumina Laboratory Services, Illumina
Classification: Benign for Dubin-Johnson syndrome. Last evaluated: 2017-04-27. Review status: criteria provided, single submitter. Criteria: ICSL Variant Classification Criteria 13 December 2019. Collection method: clinical testing. Allele origin: germline.
Comment: This variant was observed as part of a predisposition screen in an ostensibly healthy population. A literature search was performed for the gene, cDNA change, and amino acid change (where applicable). Publications were found based on this search. The evidence from the literature, in combination with allele frequency data from public databases where available, was sufficient to rule this variant out of causing disease. Therefore, this variant is classified as benign.

Eurofins Ntd Llc (ga)
Classification: Benign. Last evaluated: 2015-02-27. Review status: criteria provided, single submitter. Criteria: EGL Classification Definitions 2015. Collection method: clinical testing. Allele origin: germline. Observed: 2 variant alleles, 2 heterozygotes.

Breakthrough Genomics
Classification: Benign. Review status: criteria provided, single submitter. Criteria: ACMG Guidelines, 2015. Collection method: not provided. Allele origin: germline. Inheritance: Autosomal recessive inheritance. Affected: yes.

PreventionGenetics, part of Exact Sciences
Classification: Benign for ABCC2-related condition. Last evaluated: 2020-04-21. Review status: no assertion criteria provided. Collection method: clinical testing. Allele origin: germline. Not counted in ClinVar's aggregate classification.
Comment: This variant is classified as benign based on ACMG/AMP sequence variant interpretation guidelines (Richards et al. 2015 PMID: 25741868, with internal and published modifications).

Literature cited by the submitters: PubMed 36157610 (cited by Mayo Clinic Laboratories, Mayo Clinic); PubMed 16847695 (cited by Illumina Laboratory Services, Illumina); PubMed 20849526 (cited by Illumina Laboratory Services, Illumina); PubMed 27604170 (cited by Illumina Laboratory Services, Illumina); PubMed 18673259 (cited by Illumina Laboratory Services, Illumina).

NM_000392.5(ABCC2):c.1483A>G (p.Lys495Glu)

Gene: ABCC2 (ATP binding cassette subfamily C member 2; plus strand). Cytogenetic location: 10q24.2.
Variant type: single nucleotide variant.
Coding change: c.1483A>G on transcript NM_000392.5 (MANE Select); coding-DNA position 1483, A replaced by G.
Protein change: p.Lys495Glu; replaces lysine 495 with glutamic acid.
Molecular consequence: missense variant.
Genome position (GRCh38, 1-based): chr10:99,805,400, A>G. VCF-style: chr10-99805400-A-G. GRCh37 (hg19) VCF-style: chr10-101565157-A-G.
Other names: c.1483A>G, p.Lys495Glu (LRG_1208t1); short protein forms K495E.
Identifiers: ClinVar variation 193811 (VCV000193811.38), dbSNP rs17222561, ClinGen allele CA200783.
Genomic context (GRCh38, chr10:99,805,400, plus strand): 5'-ATGGAAGCGTATATTGTTTTTCTTTTGCTTTTTTCCTGGCAGGTCAAAAATATGAAGAAT[A>G]AAGACAAACGTTTAAAGATCATGAATGAGATTCTTAGTGGAATCAAGGTGAGAATCTGAG-3'
Protein context (NP_000383.2, residues 485-505): KTIQVKNMKN[Lys495Glu]DKRLKIMNEI